The following is an entry in ClinVar:

NM_020812.4(DOCK6):c.524G>A (p.Gly175Asp)

Gene: DOCK6 (dedicator of cytokinesis 6; minus strand). Cytogenetic location: 19p13.2.
Variant type: single nucleotide variant.
Coding change: c.524G>A on transcript NM_020812.4 (MANE Select); coding-DNA position 524, G replaced by A.
Protein change: p.Gly175Asp; replaces glycine 175 with aspartic acid.
Molecular consequence: missense variant.
Genome position (GRCh38, 1-based): chr19:11,251,070, C>T on the plus strand (G>A on the coding strand, the complement: DOCK6 is on the minus strand). VCF-style: chr19-11251070-C-T. GRCh37 (hg19) VCF-style: chr19-11361746-C-T.
Other names: c.524G>A, p.Gly175Asp (NM_001367830.1); short protein forms G175D.
Identifiers: ClinVar variation 1906241 (VCV001906241.5), dbSNP rs1359692297, ClinGen allele CA404117306.

ClinVar aggregate classification (germline): Uncertain significance (1 of 4 stars; one submission).

Allele frequency attached by ClinVar (database versions not stated): gnomAD 0.00001.
gnomAD v4.1: 8 of 1,611,682 alleles (0.0005%); highest among the groups gnomAD compares: Non-Finnish European, 0.00059%; no homozygotes.

Submission:

Labcorp Genetics (formerly Invitae), Labcorp
Classification: Uncertain significance. Last evaluated: 2022-03-28. Review status: criteria provided, single submitter. Criteria: Invitae Variant Classification Sherloc (09022015). Collection method: clinical testing. Allele origin: germline.
Comment: In summary, the available evidence is currently insufficient to determine the role of this variant in disease. Therefore, it has been classified as a Variant of Uncertain Significance. Algorithms developed to predict the effect of missense changes on protein structure and function (SIFT, PolyPhen-2, Align-GVGD) all suggest that this variant is likely to be tolerated. This variant has not been reported in the literature in individuals affected with DOCK6-related conditions. This variant is not present in population databases (gnomAD no frequency). This sequence change replaces glycine, which is neutral and non-polar, with aspartic acid, which is acidic and polar, at codon 175 of the DOCK6 protein (p.Gly175Asp).